The following is an entry in ClinVar:

NM_006206.6(PDGFRA):c.3173C>G (p.Thr1058Ser)

Gene: PDGFRA (platelet derived growth factor receptor alpha; plus strand). Cytogenetic location: 4q12.
Variant type: single nucleotide variant.
Coding change: c.3173C>G on transcript NM_006206.6 (MANE Select); coding-DNA position 3173, C replaced by G.
Protein change: p.Thr1058Ser; replaces threonine 1058 with serine.
Molecular consequence: missense variant.
Genome position (GRCh38, 1-based): chr4:54,295,175, C>G. VCF-style: chr4-54295175-C-G. GRCh37 (hg19) VCF-style: chr4-55161342-C-G.
Other names: c.3248C>G, p.Thr1083Ser (NM_001347828.2); c.3173C>G, p.Thr1058Ser (NM_001347829.2); c.3212C>G, p.Thr1071Ser (NM_001347830.2); short protein forms T1083S, T1071S, T1058S.
Identifiers: ClinVar variation 2709770 (VCV002709770.3), dbSNP rs747864564, ClinGen allele CA356896551.

ClinVar aggregate classification (germline): Uncertain significance (1 of 4 stars; one submission).

Conditions:
Gastrointestinal stromal tumor. Also called: Gastrointestinal stromal tumor, somatic; Gastrointestinal stroma tumor. Identifiers: Orphanet 44890, MedGen C0238198, MeSH D046152, MONDO:0011719, OMIM 606764, HP:0100723.

Submission:

Labcorp Genetics (formerly Invitae), Labcorp
Classification: Uncertain significance for Gastrointestinal stromal tumor. Last evaluated: 2024-01-17. Review status: criteria provided, single submitter. Criteria: Invitae Variant Classification Sherloc (09022015). Collection method: clinical testing. Allele origin: germline.
Comment: This sequence change replaces threonine, which is neutral and polar, with serine, which is neutral and polar, at codon 1058 of the PDGFRA protein (p.Thr1058Ser). This variant is not present in population databases (gnomAD no frequency). This variant has not been reported in the literature in individuals affected with PDGFRA-related conditions. Advanced modeling of protein sequence and biophysical properties (such as structural, functional, and spatial information, amino acid conservation, physicochemical variation, residue mobility, and thermodynamic stability) performed at Invitae indicates that this missense variant is not expected to disrupt PDGFRA protein function with a negative predictive value of 80%. In summary, the available evidence is currently insufficient to determine the role of this variant in disease. Therefore, it has been classified as a Variant of Uncertain Significance.